The following is an entry in ClinVar:

NM_002890.3(RASA1):c.415C>G (p.Pro139Ala)

Gene: RASA1 (RAS p21 protein activator 1; plus strand). Cytogenetic location: 5q14.3.
Variant type: single nucleotide variant.
Coding change: c.415C>G on transcript NM_002890.3 (MANE Select); coding-DNA position 415, C replaced by G.
Protein change: p.Pro139Ala; replaces proline 139 with alanine.
Molecular consequence: missense variant.
Genome position (GRCh38, 1-based): chr5:87,268,866, C>G. VCF-style: chr5-87268866-C-G. GRCh37 (hg19) VCF-style: chr5-86564683-C-G.
Other names: short protein forms P139A.
Identifiers: ClinVar variation 1996158 (VCV001996158.4), dbSNP rs2531003469, ClinGen allele CA360417346.
Genomic context (GRCh38, chr5:87,268,866, plus strand): 5'-CTGCCCACTTCGTTGCTTGCTGAGACTCTCGGGCCAGGCGGCGGTTTTCCCCCTCTGCCC[C>G]CTCCCCCTTACCTGCCCCCTTTGGGGGCGGGCCTCGGGACAGTGGACGAAGGTGACTCTC-3'
Protein context (NP_002881.1, residues 129-149): GPGGGFPPLP[Pro139Ala]PPYLPPLGAG

ClinVar aggregate classification (germline): Uncertain significance (1 of 4 stars; one submission).

Conditions:
Capillary malformation-arteriovenous malformation syndrome. Also called: Capillary malformation-arteriovenous malformation. Identifiers: Orphanet 137667, MedGen C1842180, MONDO:0012016.

Submission:

Labcorp Genetics (formerly Invitae), Labcorp
Classification: Uncertain significance for Capillary malformation-arteriovenous malformation syndrome. Last evaluated: 2022-05-18. Review status: criteria provided, single submitter. Criteria: Invitae Variant Classification Sherloc (09022015). Collection method: clinical testing. Allele origin: germline.
Comment: In summary, the available evidence is currently insufficient to determine the role of this variant in disease. Therefore, it has been classified as a Variant of Uncertain Significance. Algorithms developed to predict the effect of missense changes on protein structure and function are either unavailable or do not agree on the potential impact of this missense change (SIFT: "Tolerated"; PolyPhen-2: "Possibly Damaging"; Align-GVGD: "Class C0"). This variant has not been reported in the literature in individuals affected with RASA1-related conditions. This variant is not present in population databases (gnomAD no frequency). This sequence change replaces proline, which is neutral and non-polar, with alanine, which is neutral and non-polar, at codon 139 of the RASA1 protein (p.Pro139Ala).